The following is an entry in ClinVar:

ClinVar aggregate classification (germline): Uncertain significance (1 of 4 stars; one submission).

Submission:

GeneDx
Classification: Uncertain significance. Last evaluated: 2024-05-30. Review status: criteria provided, single submitter. Criteria: GeneDx Variant Classification Process June 2021. Collection method: clinical testing. Allele origin: germline. Affected: yes.
Comment: Not observed at significant frequency in large population cohorts (gnomAD); In silico analysis indicates that this missense variant does not alter protein structure/function; Has not been previously published as pathogenic or benign to our knowledge

NM_001368397.1(FRMPD4):c.3459C>G (p.Asp1153Glu)

Gene: FRMPD4 (FERM and PDZ domain containing 4; plus strand). Cytogenetic location: Xp22.2.
Variant type: single nucleotide variant.
Coding change: c.3459C>G on transcript NM_001368397.1 (MANE Select); coding-DNA position 3459, C replaced by G.
Protein change: p.Asp1153Glu; replaces aspartic acid 1153 with glutamic acid.
Molecular consequence: missense variant.
Genome position (GRCh38, 1-based): chrX:12,718,285, C>G. VCF-style: chrX-12718285-C-G. GRCh37 (hg19) VCF-style: chrX-12736404-C-G.
Other names: c.3570C>G, p.Asp1190Glu (NM_001368395.3, NM_001368398.3); c.3465C>G, p.Asp1155Glu (NM_001368396.3); c.3450C>G, p.Asp1150Glu (NM_001368399.3); c.3339C>G, p.Asp1113Glu (NM_001368400.3); c.3435C>G, p.Asp1145Glu (NM_001368401.1, NM_001368402.3); c.3459C>G, p.Asp1153Glu (NM_014728.3); short protein forms D1113E, D1145E, D1150E, D1153E, D1155E, D1190E.
Identifiers: ClinVar variation 3383860 (VCV003383860.1).